The following is an entry in ClinVar:

ClinVar aggregate classification (germline): Uncertain significance (1 of 4 stars; one submission).

gnomAD v4.1: 1 of 1,614,132 alleles (0.000062%); highest among the groups gnomAD compares: Non-Finnish European, 0.000085%; no homozygotes.

Submission:

Labcorp Genetics (formerly Invitae), Labcorp
Classification: Uncertain significance. Last evaluated: 2025-09-05. Review status: criteria provided, single submitter. Criteria: Invitae Variant Classification Sherloc (09022015). Collection method: clinical testing. Allele origin: germline.
Comment: This sequence change replaces serine, which is neutral and polar, with cysteine, which is neutral and slightly polar, at codon 1135 of the SON protein (p.Ser1135Cys). This variant is not present in population databases (gnomAD no frequency). This variant has not been reported in the literature in individuals affected with SON-related conditions. An algorithm developed to predict the effect of missense changes on protein structure and function (PolyPhen-2) suggests that this variant is likely to be disruptive. In summary, the available evidence is currently insufficient to determine the role of this variant in disease. Therefore, it has been classified as a Variant of Uncertain Significance.

NM_138927.4(SON):c.3404C>G (p.Ser1135Cys)

Gene: SON (SON DNA and RNA binding protein; plus strand). Cytogenetic location: 21q22.11.
Variant type: single nucleotide variant.
Coding change: c.3404C>G on transcript NM_138927.4 (MANE Select); coding-DNA position 3404, C replaced by G.
Protein change: p.Ser1135Cys; replaces serine 1135 with cysteine.
Molecular consequence: missense variant. On other transcripts: non-coding transcript variant (1), intron variant (1).
Genome position (GRCh38, 1-based): chr21:33,552,635, C>G. VCF-style: chr21-33552635-C-G. GRCh37 (hg19) VCF-style: chr21-34924941-C-G.
Other names: c.3404C>G, p.Ser1135Cys (NM_001291411.2, NM_032195.3); c.245-4521C>G (NM_001291412.3); short protein forms S1135C.
Identifiers: ClinVar variation 4691589 (VCV004691589.1).